The following is an entry in ClinVar:

ClinVar aggregate classification (germline): Pathogenic (1 of 4 stars; one submission).

Submission:

Labcorp Genetics (formerly Invitae), Labcorp
Classification: Pathogenic. Last evaluated: 2023-05-22. Review status: criteria provided, single submitter. Criteria: Invitae Variant Classification Sherloc (09022015). Collection method: clinical testing. Allele origin: germline.
Comment: This sequence change creates a premature translational stop signal (p.Tyr448*) in the ZNF469 gene. It is expected to result in an absent or disrupted protein product. Loss-of-function variants in ZNF469 are known to be pathogenic (PMID: 23642083, 23680354). This variant is not present in population databases (gnomAD no frequency). This variant has not been reported in the literature in individuals affected with ZNF469-related conditions. For these reasons, this variant has been classified as Pathogenic.

Literature cited by the submitters: PubMed 23642083; PubMed 23680354.

NM_001367624.2(ZNF469):c.1344C>G (p.Tyr448Ter)

Gene: ZNF469 (zinc finger protein 469; plus strand). Cytogenetic location: 16q24.2.
Variant type: single nucleotide variant.
Coding change: c.1344C>G on transcript NM_001367624.2 (MANE Select); coding-DNA position 1344, C replaced by G.
Protein change: p.Tyr448Ter; replaces tyrosine 448 with a stop codon.
Molecular consequence: nonsense.
Genome position (GRCh38, 1-based): chr16:88,428,814, C>G. VCF-style: chr16-88428814-C-G. GRCh37 (hg19) VCF-style: chr16-88495222-C-G.
Other names: short protein forms Y448*.
Identifiers: ClinVar variation 2867142 (VCV002867142.3), dbSNP rs1163546793, ClinGen allele CA397066217.